The following is an entry in ClinVar:

NM_130466.4(UBE3B):c.1812G>A (p.Arg604=)

Gene: UBE3B (ubiquitin protein ligase E3B; plus strand). Cytogenetic location: 12q24.11.
Variant type: single nucleotide variant.
Coding change: c.1812G>A on transcript NM_130466.4 (MANE Select); coding-DNA position 1812, G replaced by A.
Protein change: p.Arg604=; no amino-acid change (arginine 604 retained).
Molecular consequence: synonymous variant.
Genome position (GRCh38, 1-based): chr12:109,510,414, G>A. VCF-style: chr12-109510414-G-A. GRCh37 (hg19) VCF-style: chr12-109948219-G-A.
Other names: c.1812G>A, p.Arg604= (NM_183415.3).
Identifiers: ClinVar variation 3778065 (VCV003778065.8).

ClinVar aggregate classification (germline): Likely benign. Review status: criteria provided, multiple submitters, no conflicts (2 of 4 stars). 2 submissions from 2 submitters: Likely benign (2). Last evaluated 2025-05-19.

Submissions (2):

Labcorp Genetics (formerly Invitae), Labcorp
Classification: Likely benign. Last evaluated: 2025-05-19. Review status: criteria provided, single submitter. Criteria: Invitae Variant Classification Sherloc (09022015). Collection method: clinical testing. Allele origin: germline.

CeGaT Center for Human Genetics Tuebingen
Classification: Likely benign. Last evaluated: 2025-03-01. Review status: criteria provided, single submitter. Criteria: CeGaT Center For Human Genetics Tuebingen Variant Classification Criteria Version 2. Collection method: clinical testing. Allele origin: germline. Affected: yes. Observed: 1 variant allele.
Comment: UBE3B: BP4, BP7